The following is an entry in ClinVar:

NM_000632.4(ITGAM):c.29-3T>C

Gene: ITGAM (integrin subunit alpha M; plus strand). Cytogenetic location: 16p11.2.
Variant type: single nucleotide variant.
Coding change: c.29-3T>C on transcript NM_000632.4 (MANE Select); 3 bases into the intron before coding-DNA position 29, T replaced by C.
Molecular consequence: intron variant.
Genome position (GRCh38, 1-based): chr16:31,261,689, T>C. VCF-style: chr16-31261689-T-C. GRCh37 (hg19) VCF-style: chr16-31273010-T-C.
Other names: c.29-3T>C (NM_001145808.2).
Identifiers: ClinVar variation 4801948 (VCV004801948.1).

ClinVar aggregate classification (germline): Uncertain significance (1 of 4 stars; one submission).

gnomAD v4.1: 6 of 1,601,484 alleles (0.00037%); highest among the groups gnomAD compares: South Asian, 0.0056%; no homozygotes.

Submission:

Labcorp Genetics (formerly Invitae), Labcorp
Classification: Uncertain significance. Last evaluated: 2025-09-13. Review status: criteria provided, single submitter. Criteria: Invitae Variant Classification Sherloc (09022015). Collection method: clinical testing. Allele origin: germline.
Comment: This sequence change falls in intron 1 of the ITGAM gene. It does not directly change the encoded amino acid sequence of the ITGAM protein. It affects a nucleotide within the consensus splice site. This variant is present in population databases (rs773961322, gnomAD 0.007%). This variant has not been reported in the literature in individuals affected with ITGAM-related conditions. Variants that disrupt the consensus splice site are a relatively common cause of aberrant splicing (PMID: 17576681, 9536098). Algorithms developed to predict the effect of sequence changes on RNA splicing suggest that this variant is not likely to affect RNA splicing. In summary, the available evidence is currently insufficient to determine the role of this variant in disease. Therefore, it has been classified as a Variant of Uncertain Significance.

Literature cited by the submitters: PubMed 17576681; PubMed 9536098.